The following is an entry in ClinVar:

ClinVar aggregate classification (germline): Likely benign (1 of 4 stars; one submission).

gnomAD v4.1: 8 of 1,614,130 alleles (0.0005%); highest among the groups gnomAD compares: South Asian, 0.0033%; no homozygotes.

Submission:

CeGaT Center for Human Genetics Tuebingen
Classification: Likely benign. Last evaluated: 2024-12-01. Review status: criteria provided, single submitter. Criteria: CeGaT Center For Human Genetics Tuebingen Variant Classification Criteria Version 2. Collection method: clinical testing. Allele origin: germline. Affected: yes. Observed: 1 variant allele.
Comment: FAT2: BP4

NM_001447.3(FAT2):c.11447C>T (p.Ala3816Val)

Genes: FAT2 (FAT atypical cadherin 2; minus strand), SLC36A1 (solute carrier family 36 member 1; plus strand). Cytogenetic location: 5q33.1.
Variant type: single nucleotide variant.
Coding change: c.11447C>T on transcript NM_001447.3 (MANE Select); coding-DNA position 11447, C replaced by T.
Protein change: p.Ala3816Val; replaces alanine 3816 with valine.
Molecular consequence: missense variant.
Genome position (GRCh38, 1-based): chr5:151,517,636, G>A on the plus strand (C>T on the coding strand, the complement: FAT2 is on the minus strand). VCF-style: chr5-151517636-G-A. GRCh37 (hg19) VCF-style: chr5-150897197-G-A.
Other names: short protein forms A3816V.
Identifiers: ClinVar variation 3771454 (VCV003771454.13).